The following is an entry in ClinVar:

NM_001040142.2(SCN2A):c.2765G>A (p.Arg922His)

Gene: SCN2A (sodium voltage-gated channel alpha subunit 2; plus strand). Cytogenetic location: 2q24.3.
Variant type: single nucleotide variant.
Coding change: c.2765G>A on transcript NM_001040142.2 (MANE Select); coding-DNA position 2765, G replaced by A.
Protein change: p.Arg922His; replaces arginine 922 with histidine.
Molecular consequence: missense variant.
Genome position (GRCh38, 1-based): chr2:165,344,757, G>A. VCF-style: chr2-165344757-G-A. GRCh37 (hg19) VCF-style: chr2-166201267-G-A.
Other names: c.2765G>A, p.Arg922His (NM_001040143.2, NM_001371246.1, NM_001371247.1 and 1 more transcripts); short protein forms R922H.
Identifiers: ClinVar variation 372885 (VCV000372885.37), dbSNP rs1057518048, ClinGen allele CA16042346.

ClinVar aggregate classification (germline): Conflicting classifications of pathogenicity. Review status: criteria provided, conflicting classifications (1 of 4 stars). 6 submissions from 6 submitters: Pathogenic (1); Likely pathogenic (4); Uncertain significance (1). Last evaluated 2025-12-11.

Conditions:
Developmental and epileptic encephalopathy, 11 (DEE11). Also called: Early infantile epileptic encephalopathy 11. Identifiers: Orphanet 1934, MedGen C3150987, MONDO:0013388, OMIM 613721.
Inborn genetic diseases. Identifiers: MedGen C0950123, MeSH D030342.
Intellectual disability. Also called: Intellectual functioning disability; Intellectual developmental disorder; intellectual disabilities. Identifiers: MedGen C3714756, MeSH D008607, MONDO:0001071, HP:0001249.
SCN2A-mediated disorder.

Submissions (6):

Ambry Genetics
Classification: Pathogenic for Inborn genetic diseases. Last evaluated: 2025-12-11. Review status: criteria provided, single submitter. Criteria: Ambry Variant Classification Scheme 2023. Collection method: clinical testing. Allele origin: germline.
Comment: The p.R922H variant (also known as c.2765G>A), located in coding exon 15 of the SCN2A gene, results from a G to A substitution at nucleotide position 2765. The arginine at codon 922 is replaced by histidine, an amino acid with highly similar properties. This variant was reported in individuals with features consistent with SCN2A-related neurodevelopmental disorder and/or SCN2A-related developmental and epileptic encephalopathy; in at least one individual, it was determined to be de novo (Majethia P et al. Clin Genet, 2024 Jun;105:639-654; external communication). This missense alteration is located in a region that has a low rate of benign missense variation (Lek M et al. Nature. 2016 Aug 18;536(7616):285-91; DECIPHER: Database of Chromosomal Imbalance and Phenotype in Humans using Ensembl Resources. Firth H.V. et al. 2009. Am.J.Hum.Genet. 84, 524-533 (DOI)). This amino acid position is highly conserved in available vertebrate species. In addition, this alteration is predicted to be deleterious by in silico analysis. This variant is considered to be rare based on population cohorts in the Genome Aggregation Database (gnomAD). Based on the supporting evidence, this variant is interpreted as a disease-causing mutation.

CeGaT Center for Human Genetics Tuebingen
Classification: Likely pathogenic. Last evaluated: 2023-04-01. Review status: criteria provided, single submitter. Criteria: CeGaT Center For Human Genetics Tuebingen Variant Classification Criteria Version 2. Collection method: clinical testing. Allele origin: germline. Affected: yes. Observed: 1 variant allele.
Comment: SCN2A: PM2, PS4:Moderate, PP2, PP3

Victorian Clinical Genetics Services, Murdoch Childrens Research Institute
Classification: Likely pathogenic for Developmental and epileptic encephalopathy, 11. Last evaluated: 2021-05-06. Review status: criteria provided, single submitter. Criteria: ACMG Guidelines, 2015. Collection method: clinical testing. Allele origin: germline. Inheritance: Autosomal dominant inheritance. Affected: yes.
Comment: Based on the classification scheme VCGS_Germline_v1.3.3, this variant is classified as Likely pathogenic. Following criteria are met: 0103 - Loss of function and gain of function are known mechanisms of disease in this gene. Loss of function result in later onset epilepsy or autism spectrum disorder, while gain of function result in early onset epilepsy (PMIDs: 28379373, 28256214). (I) 0107 - This gene is associated with autosomal dominant disease. (I) 0200 - Variant is predicted to result in a missense amino acid change from arginine to histidine. (I) 0251 - This variant is heterozygous. (I) 0301 - Variant is absent from gnomAD (both v2 and v3). (SP) 0501 - Missense variant consistently predicted to be damaging by multiple in silico tools or highly conserved with a major amino acid change. (SP) 0600 - Variant is located in the annotated Ion transport protein domain (PDB, NCBI). (I) 0710 - Another missense variant comparable to the one identified in this case has inconclusive previous evidence for pathogenicity. The p.(Arg922Cys) variant has been reported once as likely pathogenic but the disease associated was not indicated (LOVD). It has also been reported as an unclassified de novo variant in a patient with autistic behaviour (Deciphering Developmental Disorders (DDD) Study). (I) 0809 - Previous evidence of pathogenicity for this variant is inconclusive. This variant has been reported once as likely pathogenic but the disease associated was not indicated (ClinVar). (I) 0905 - No published segregation evidence has been identified for this variant. (I) 1007 - No published functional evidence has been identified for this variant. (SP) Legend: (SP) - Supporting pathogenic, (I) - Information, (SB) - Supporting benign

Cambridge Genomics Laboratory, East Genomic Laboratory Hub, NHS Genomic Medicine Service
Classification: Uncertain significance for Intellectual disability. Last evaluated: 2020-02-03. Review status: criteria provided, single submitter. Criteria: ACGS Best Practice Guidelines for Variant Classification in Rare Disease 2020. Collection method: clinical testing. Allele origin: germline. Affected: yes. Observed: 1 variant allele.

GeneDx
Classification: Likely pathogenic. Last evaluated: 2016-01-18. Review status: criteria provided, single submitter. Criteria: GeneDx Variant Classification (06012015). Collection method: clinical testing. Allele origin: germline. Affected: yes.
Comment: The R922H variant in the SCN2A gene has not been reported previously as a pathogenic variant, nor as a benign variant, to our knowledge. The R922H variant was not observed in approximately 6500 individuals of European and African American ancestry in the NHLBI Exome Sequencing Project, indicating it is not a common benign variant in these populations. The R922H variant is a conservative amino acid substitution, which is not likely to impact secondary protein structure as these residues share similar properties. This substitution occurs at a position that is conserved across species. In silico analysis predicts this variant is probably damaging to the protein structure/function. The R922H variant is a strong candidate for a pathogenic variant. However the possibility it may be a rare benign variant cannot be excluded.

Kasturba Medical College, Manipal, Kasturba Medical College, Manipal, Manipal Academy of Higher Education, Manipal, India
Classification: Likely pathogenic for SCN2A-mediated disorder. Review status: criteria provided, single submitter. Criteria: ACMG Guidelines, 2015. Collection method: clinical testing. Allele origin: de novo. Inheritance: Autosomal dominant inheritance. Affected: yes. Observed: 1 heterozygote.

Literature cited by the submitters: PubMed 38374498 (cited by Ambry Genetics); PubMed 28256214 (cited by Victorian Clinical Genetics Services, Murdoch Childrens Research Institute); PubMed 28379373 (cited by Victorian Clinical Genetics Services, Murdoch Childrens Research Institute).